The following is an entry in ClinVar:

ClinVar aggregate classification (germline): Benign. Review status: criteria provided, multiple submitters, no conflicts (2 of 4 stars). 17 submissions from 13 submitters: Benign (15). 2 of the submissions do not count toward it. Last evaluated 2025-03-03.

Conditions:
Neurodegeneration with ataxia and late-onset optic atrophy. Identifiers: MedGen C5543254, MONDO:0031006, OMIM 619259.
Hereditary pheochromocytoma and paraganglioma. Also called: Hereditary Paraganglioma-Pheochromocytoma Syndromes; Hereditary paragangliomas and pheochromocytomas; Hereditary pheochromocytoma-paraganglioma. Identifiers: Orphanet 29072, MedGen C4274332, MONDO:0017366.
Hereditary cancer-predisposing syndrome. Also called: Tumor predisposition; Hereditary neoplastic syndrome; Hereditary Cancer Syndrome; Neoplastic Syndromes, Hereditary. Identifiers: Orphanet 140162, MedGen C0027672, MeSH D009386, MONDO:0015356.
Pheochromocytoma/paraganglioma syndrome 5. Also called: Paragangliomas 5; SDHA-Related Hereditary Paraganglioma-Pheochromocytoma Syndrome. Identifiers: Orphanet 29072, MedGen C3279992, MONDO:0013602, OMIM 614165.
Mitochondrial complex II deficiency, nuclear type 1. Also called: SUCCINATE CoQ REDUCTASE DEFICIENCY. Identifiers: Orphanet 3208, MedGen C5700310, MONDO:0100294, OMIM 252011.
Leigh syndrome (NULS). Also called: Leigh Syndrome (mtDNA deletion); Leigh Disease; Subacute necrotizing encephalopathy; Necrotizing encephalopathy infantile subacute of Leigh; LEIGH SYNDROME, NUCLEAR; Leigh's syndrome. Identifiers: Orphanet 506, MedGen C2931891, MONDO:0009723, OMIM 256000.
Dilated cardiomyopathy 1GG (CMD1GG). Identifiers: Orphanet 154, MedGen C3150898, MONDO:0013339, OMIM 613642.

Allele frequency attached by ClinVar (database versions not stated): 1000 Genomes Project 0.85843; 1000 Genomes Project 30x 0.86665; TOPMed 0.89950; ESP Exome Variant Server 0.91258.
gnomAD v4.1: 1,428,152 of 1,613,942 alleles (88%); highest among the groups gnomAD compares: African/African-American, 97%; 633,686 homozygotes.

Submissions (17):

Myriad Genetics, Inc.
Classification: Benign for Pheochromocytoma/paraganglioma syndrome 5. Last evaluated: 2025-03-03. Review status: criteria provided, single submitter. Criteria: Myriad Autosomal Dominant, Autosomal Recessive and X-Linked Classification Criteria (2023). Collection method: clinical testing. Allele origin: unknown.
Comment: This variant is considered benign. This variant is intronic and is not expected to impact mRNA splicing. This variant has been observed at a population frequency that is significantly greater than expected given the associated disease prevalence and penetrance.

Hereditary Cancer Laboratory, Hospital Universitario 12 de Octubre
Classification: Benign for Hereditary cancer-predisposing syndrome. Last evaluated: 2025-01-08. Review status: criteria provided, single submitter. Criteria: ACMG Guidelines, 2015. Collection method: clinical testing. Allele origin: germline.
Comment: BA1+BP6

Blueprint Genetics
Classification: Benign. Last evaluated: 2024-11-26. Review status: criteria provided, single submitter. Criteria: ACMG Guidelines, 2015. Collection method: clinical testing. Allele origin: germline.

KCCC/NGS Laboratory, Kuwait Cancer Control Center
Classification: Benign for Pheochromocytoma/paraganglioma syndrome 5. Last evaluated: 2023-07-07. Review status: criteria provided, single submitter. Criteria: ACMG Guidelines, 2015. Collection method: clinical testing. Allele origin: germline. Affected: yes.

Genome-Nilou Lab
Classification: Benign for Dilated cardiomyopathy 1GG. Last evaluated: 2021-07-14. Review status: criteria provided, single submitter. Criteria: ACMG Guidelines, 2015. Collection method: clinical testing. Allele origin: germline. Affected: no.

Genome-Nilou Lab
Classification: Benign for Mitochondrial complex II deficiency, nuclear type 1. Last evaluated: 2021-07-14. Review status: criteria provided, single submitter. Criteria: ACMG Guidelines, 2015. Collection method: clinical testing. Allele origin: germline. Affected: no.

Genome-Nilou Lab
Classification: Benign for Neurodegeneration with ataxia and late-onset optic atrophy. Last evaluated: 2021-07-14. Review status: criteria provided, single submitter. Criteria: ACMG Guidelines, 2015. Collection method: clinical testing. Allele origin: germline. Affected: no.

ARUP Laboratories, Molecular Genetics and Genomics, ARUP Laboratories
Classification: Benign. Last evaluated: 2021-02-09. Review status: criteria provided, single submitter. Criteria: ARUP Molecular Germline Variant Investigation Process 2021. Collection method: clinical testing. Allele origin: germline.

Illumina Laboratory Services, Illumina
Classification: Benign for Hereditary Paraganglioma-Pheochromocytoma Syndromes. Last evaluated: 2018-01-12. Review status: criteria provided, single submitter. Criteria: ICSL Variant Classification Criteria 13 December 2019. Collection method: clinical testing. Allele origin: germline.
Comment: This variant was observed in the ICSL laboratory as part of a predisposition screen in an ostensibly healthy population. It had not been previously curated by ICSL or reported in the Human Gene Mutation Database (HGMD: prior to June 1st, 2018), and was therefore a candidate for classification through an automated scoring system. Utilizing variant allele frequency, disease prevalence and penetrance estimates, and inheritance mode, an automated score was calculated to assess if this variant is too frequent to cause the disease. Based on the score and internal cut-off values, a variant classified as benign is not then subjected to further curation. The score for this variant resulted in a classification of benign for this disease.

Illumina Laboratory Services, Illumina
Classification: Benign for Mitochondrial complex II deficiency, nuclear type 1. Last evaluated: 2018-01-12. Review status: criteria provided, single submitter. Criteria: ICSL Variant Classification Criteria 13 December 2019. Collection method: clinical testing. Allele origin: germline.
Comment: the same text as in the submission from Illumina Laboratory Services, Illumina above.

Illumina Laboratory Services, Illumina
Classification: Benign for Leigh syndrome. Last evaluated: 2018-01-12. Review status: criteria provided, single submitter. Criteria: ICSL Variant Classification Criteria 13 December 2019. Collection method: clinical testing. Allele origin: germline.
Comment: the same text as in the submission from Illumina Laboratory Services, Illumina above.

Ambry Genetics
Classification: Benign for Hereditary cancer-predisposing syndrome. Last evaluated: 2015-05-07. Review status: criteria provided, single submitter. Criteria: Ambry Variant Classification Scheme 2023. Collection method: clinical testing. Allele origin: germline.

GeneDx
Classification: Benign. Last evaluated: 2015-03-03. Review status: criteria provided, single submitter. Criteria: GeneDx Variant Classification Process June 2021. Collection method: clinical testing. Allele origin: germline. Affected: yes.

Breakthrough Genomics
Classification: Benign. Review status: criteria provided, single submitter. Criteria: ACMG Guidelines, 2015. Collection method: not provided. Allele origin: germline. Inheritance: Autosomal recessive inheritance. Affected: yes.

PreventionGenetics, part of Exact Sciences
Classification: Benign. Review status: criteria provided, single submitter. Criteria: ACMG Guidelines, 2015. Collection method: clinical testing. Allele origin: germline.

Diagnostic Laboratory, Department of Genetics, University Medical Center Groningen
Classification: Benign. Review status: no assertion criteria provided. Collection method: clinical testing. Allele origin: germline. Affected: yes. Study: VKGL Data-share Consensus. Not counted in ClinVar's aggregate classification.

Joint Genome Diagnostic Labs from Nijmegen and Maastricht, Radboudumc and MUMC+
Classification: Benign. Review status: no assertion criteria provided. Collection method: clinical testing. Allele origin: germline. Affected: yes. Study: VKGL Data-share Consensus. Not counted in ClinVar's aggregate classification.

NM_004168.4(SDHA):c.771-11A>G

Gene: SDHA (succinate dehydrogenase complex flavoprotein subunit A; plus strand). Cytogenetic location: 5p15.33.
Variant type: single nucleotide variant.
Coding change: c.771-11A>G on transcript NM_004168.4 (MANE Select); 11 bases into the intron before coding-DNA position 771, A replaced by G.
Molecular consequence: intron variant.
Genome position (GRCh38, 1-based): chr5:230,865, A>G. VCF-style: chr5-230865-A-G. GRCh37 (hg19) VCF-style: chr5-230980-A-G.
Other names: c.771-11A>G (NM_004168.3, NM_001330758.2); c.627-11A>G (NM_001294332.2).
Identifiers: ClinVar variation 259248 (VCV000259248.31), dbSNP rs2288461, ClinGen allele CA3172990.
Genomic context (GRCh38, chr5:230,865, plus strand): 5'-CTGTGATCTCACCAGATAGGAGGTCCAGATGTGGGCCGCTGTGTGCAGTCACTGCTCTCT[A>G]TTGTTTCCAGAGGCTACGGGCGCACCTACTTCAGCTGCACGTCTGCCCACACCAGCACTG-3'